The following is an entry in ClinVar:

ClinVar aggregate classification (germline): Likely pathogenic (1 of 4 stars; one submission).

Conditions:
Cystic fibrosis (CF). Also called: MUCOVISCIDOSIS. Identifiers: Orphanet 586, MedGen C0010674, MONDO:0009061, OMIM 219700. Disease mechanism: loss of function.

Submission:

Women's Health and Genetics/Laboratory Corporation of America, LabCorp
Classification: Likely pathogenic for Cystic fibrosis. Last evaluated: 2023-06-02. Review status: criteria provided, single submitter. Criteria: LabCorp Variant Classification Summary - May 2015. Collection method: clinical testing. Allele origin: germline.
Comment: Variant summary: CFTR c.744-9_744-2delinsTACG is located in a canonical splice-site and is predicted to affect mRNA splicing resulting in a significantly altered protein due to either exon skipping, shortening, or inclusion of intronic material. Several computational tools predict a significant impact on normal splicing: Two predict the variant abolishes a canonical 3' acceptor site. However, these predictions have yet to be confirmed by functional studies. The variant was absent in 187774 control chromosomes (gnomAD). To our knowledge, no occurrence of c.744-9_744-2delinsTACG in individuals affected with Cystic Fibrosis and no experimental evidence demonstrating its impact on protein function have been reported. No clinical diagnostic laboratories have submitted clinical-significance assessments for this variant to ClinVar after 2014. Based on the evidence outlined above, the variant was classified as likely pathogenic.

NM_000492.4(CFTR):c.744-9_744-2delinsTACG

Gene: CFTR (CF transmembrane conductance regulator; plus strand). Cytogenetic location: 7q31.2.
Variant type: Indel.
Coding change: c.744-9_744-2delinsTACG on transcript NM_000492.4 (MANE Select); 9 bases into the intron before coding-DNA position 744 through the canonical splice acceptor site of the intron before coding-DNA position 744, GATTTACA replaced by TACG.
Molecular consequence: splice acceptor variant.
Genome position (GRCh38, 1-based): chr7:117,536,539-117,536,546, GATTTACA replaced by TACG. VCF-style: chr7-117536539-GATTTACA-TACG. GRCh37 (hg19) VCF-style: chr7-117176593-GATTTACA-TACG.
Identifiers: ClinVar variation 2573427 (VCV002573427.1), dbSNP rs2485019997, ClinGen allele CA2580617099.